The following is an entry in ClinVar:

NM_001105206.3(LAMA4):c.4968A>G (p.Gly1656=)

Gene: LAMA4 (laminin subunit alpha 4; minus strand). Cytogenetic location: 6q21.
Variant type: single nucleotide variant.
Coding change: c.4968A>G on transcript NM_001105206.3 (MANE Select); coding-DNA position 4968, A replaced by G.
Protein change: p.Gly1656=; no amino-acid change (glycine 1656 retained).
Molecular consequence: synonymous variant.
Genome position (GRCh38, 1-based): chr6:112,117,752, T>C on the plus strand (A>G on the coding strand, the complement: LAMA4 is on the minus strand). VCF-style: chr6-112117752-T-C. GRCh37 (hg19) VCF-style: chr6-112438955-T-C.
Other names: c.4947A>G, p.Gly1649= (NM_001105207.3, NM_002290.5).
Identifiers: ClinVar variation 1003492 (VCV001003492.11), dbSNP rs1778106910, ClinGen allele CA451593693.

ClinVar aggregate classification (germline): Uncertain significance. Review status: criteria provided, multiple submitters, no conflicts (2 of 4 stars). 2 submissions from 2 submitters: Uncertain significance (2). Last evaluated 2020-02-18.

Conditions:
Dilated cardiomyopathy 1JJ (CMD1JJ). Identifiers: Orphanet 154, MedGen C3808935, MONDO:0014095, OMIM 615235.

Submissions (2):

Labcorp Genetics (formerly Invitae), Labcorp
Classification: Uncertain significance for Dilated cardiomyopathy 1JJ. Last evaluated: 2020-02-18. Review status: criteria provided, single submitter. Criteria: Invitae Variant Classification Sherloc (09022015). Collection method: clinical testing. Allele origin: germline.
Comment: This variant is not present in population databases (ExAC no frequency). This variant has not been reported in the literature in individuals with LAMA4-related conditions. Algorithms developed to predict the effect of sequence changes on RNA splicing suggest that this variant may create or strengthen a splice site, but this prediction has not been confirmed by published transcriptional studies. In summary, the available evidence is currently insufficient to determine the role of this variant in disease. Therefore, it has been classified as a Variant of Uncertain Significance. This sequence change affects codon 1649 of the LAMA4 mRNA. It is a 'silent' change, meaning that it does not change the encoded amino acid sequence of the LAMA4 protein.

GeneDx
Classification: Uncertain significance. Last evaluated: 2019-07-17. Review status: criteria provided, single submitter. Criteria: GeneDx Variant Classification Process June 2021. Collection method: clinical testing. Allele origin: germline. Affected: yes.
Comment: Has not been previously published as pathogenic or benign to our knowledge; Not observed in large population cohorts (Lek et al., 2016); In silico analysis, which includes splice predictors and evolutionary conservation, suggests this variant may impact gene splicing. In the absence of RNA/functional studies, the actual effect of this sequence change is unknown.